The following is an entry in ClinVar:

NM_006421.5(ARFGEF1):c.5474G>T (p.Arg1825Ile)

Gene: ARFGEF1 (ARF guanine nucleotide exchange factor 1; minus strand). Cytogenetic location: 8q13.2.
Variant type: single nucleotide variant.
Coding change: c.5474G>T on transcript NM_006421.5 (MANE Select); coding-DNA position 5474, G replaced by T.
Protein change: p.Arg1825Ile; replaces arginine 1825 with isoleucine.
Molecular consequence: missense variant. On other transcripts: non-coding transcript variant (1), intron variant (2).
Genome position (GRCh38, 1-based): chr8:67,199,010, C>A on the plus strand (G>T on the coding strand, the complement: ARFGEF1 is on the minus strand). VCF-style: chr8-67199010-C-A. GRCh37 (hg19) VCF-style: chr8-68111245-C-A.
Other names: c.5474G>T, p.Arg1825Ile (NM_001413184.1); c.5456G>T, p.Arg1819Ile (NM_001413185.1, NM_001413189.1); c.4874G>T, p.Arg1625Ile (NM_001413188.1, NM_001413197.1); c.5468G>T, p.Arg1823Ile (NM_001413190.1); c.5378G>T, p.Arg1793Ile (NM_001413191.1); c.5360G>T, p.Arg1787Ile (NM_001413192.1); c.4049G>T, p.Arg1350Ile (NM_001413196.1); c.5367+1386G>T (NM_001413186.1); and 1 more; short protein forms R1350I, R1625I, R1787I, R1793I, R1819I, R1823I, R1825I.
Identifiers: ClinVar variation 4075515 (VCV004075515.1).
Genomic context (GRCh38, chr8:67,199,010, plus strand): 5'-CCAAGTTCCTGTTCAGGTGGTTGTGATATCTGAAAAACTACTCCGATTCGCAGAAAAAAT[C>A]TTCTAAGAACAGCACGAAGTTCAGGAATCAAGTCAAATTGCATAATTTCACATAAGAGAG-3'
Protein context (NP_006412.2, residues 1815-1835): LIPELRAVLR[Arg1825Ile]FFLRIGVVFQ

ClinVar aggregate classification (germline): Uncertain significance (1 of 4 stars; one submission).

Submission:

GeneDx
Classification: Uncertain significance. Last evaluated: 2025-02-18. Review status: criteria provided, single submitter. Criteria: GeneDx Variant Classification Process June 2021. Collection method: clinical testing. Allele origin: germline. Affected: yes.
Comment: Observed in a patient in an aggregate de-identified data set involving de novo variants in patients with developmental disorders; this patient also harbored a de novo variant in an additional gene (PMID: 33057194); Not observed at significant frequency in large population cohorts (gnomAD); In silico analysis supports that this missense variant has a deleterious effect on protein structure/function; This variant is associated with the following publications: (PMID: 35982159, 33057194)